The following is an entry in ClinVar:

NM_024312.5(GNPTAB):c.99del (p.Ala34fs)

Gene: GNPTAB (N-acetylglucosamine-1-phosphate transferase subunits alpha and beta; minus strand). Cytogenetic location: 12q23.2.
Variant type: Deletion.
Coding change: c.99del on transcript NM_024312.5 (MANE Select); coding-DNA position 99, one base deleted (C; older notation c.99delC).
Protein change: p.Ala34fs; shifts the reading frame from alanine 34.
Molecular consequence: frameshift variant.
Genome position (GRCh38, 1-based): chr12:101,830,577, G deleted on the plus strand (C on the coding strand, the reverse complement: GNPTAB is on the minus strand); the first of 2 consecutive G bases (chr12:101,830,577-101,830,578); deleting either gives the same sequence. VCF-style (leftmost placement, unchanged base first): chr12-101830576-CG-C. GRCh37 (hg19) VCF-style: chr12-102224354-CG-C.
Other names: c.99del (NM_024312.4); short protein forms A34fs.
Identifiers: ClinVar variation 496456 (VCV000496456.16), dbSNP rs1408113895, ClinGen allele CA481347088.

ClinVar aggregate classification (germline): Pathogenic/Likely pathogenic. Review status: criteria provided, multiple submitters, no conflicts (2 of 4 stars). 5 submissions from 5 submitters: Pathogenic (3); Likely pathogenic (1). 1 of the submissions does not count toward it. Last evaluated 2024-12-18.

Conditions:
Pseudo-Hurler polydystrophy. Also called: ML III; ML III ALPHA/BETA; ML IIIA; Mucolipidosis III Alpha/Beta; Type III Mucolipidosis; MUCOLIPIDOSIS IIIA. Identifiers: Orphanet 423461, Orphanet 577, MedGen C0033788, MONDO:0018931, OMIM 252600.
Mucolipidosis type II. Also called: ML II ALPHA/BETA; Mucolipidosis 2; ML 2; Inclusion cell disease; Leroy Disease; N-acetylglucosamine 1phosphotransferase deficiency. Identifiers: Orphanet 576, MedGen C2673377, MONDO:0009650, OMIM 252500.

Submissions (5):

Natera, Inc.
Classification: Pathogenic for Mucolipidosis type II. Last evaluated: 2024-12-18. Review status: criteria provided, single submitter. Criteria: Natera Variant Classification Schema (03/2026). Collection method: clinical testing. Allele origin: germline.
Comment: The c.99delC variant in GNPTAB is a frameshift variant predicted to shift the reading frame beginning at codon 34 and leads to a stop codon 49 codons downstream. This variant is expected to result in nonsense mediated decay, truncation, or a dysfunctional protein product. This variant is rare in the general population with a frequency below the threshold expected for the associated phenotype(s). This variant has been observed in one or more individuals affected with the associated recessive disease, as either homozygous or compound heterozygous with a second variant (PMID: 27662472). Given the available evidence, this variant is classified as Pathogenic.

Labcorp Genetics (formerly Invitae), Labcorp
Classification: Pathogenic for Pseudo-Hurler polydystrophy; Mucolipidosis type II. Last evaluated: 2024-03-08. Review status: criteria provided, single submitter. Criteria: Invitae Variant Classification Sherloc (09022015). Collection method: clinical testing. Allele origin: germline.
Comment: This sequence change creates a premature translational stop signal (p.Ala34Profs*49) in the GNPTAB gene. It is expected to result in an absent or disrupted protein product. Loss-of-function variants in GNPTAB are known to be pathogenic (PMID: 19617216, 25107912). This variant is not present in population databases (gnomAD no frequency). This premature translational stop signal has been observed in individuals with Mucolipidosis type II (PMID: 27662472, 29872134). ClinVar contains an entry for this variant (Variation ID: 496456). For these reasons, this variant has been classified as Pathogenic.

Women's Health and Genetics/Laboratory Corporation of America, LabCorp
Classification: Likely pathogenic for Mucolipidosis type II. Last evaluated: 2016-01-05. Review status: criteria provided, single submitter. Criteria: LabCorp Variant Classification Summary - May 2015. Collection method: clinical testing. Allele origin: germline.
Comment: Variant summary: This c.99delC variant causes a frameshift, which alters the proteins amino acid sequence beginning at position 34 and leads to a premature termination codon 48 amino acid downstream. It is predicted to cause a truncated or absent protein product. Mutation taster predicts this variant to be disease-causing. The variant was not observed in the large and broad cohorts of the ExAC project or ESP. The variant of interest has not, to our knowledge, been reported in affected individuals via publications, clinical laboratories, or databases; nor evaluated for functional impact by in vivo/vitro studies. Truncations downstream of this position have been listed as disease variants by HGMD and ClinVar (e.g. Gln104Term, Gln278Term, etc). Considering all, this variant has been classified as Likely Pathogenic until additional information becomes available.

Juno Genomics, Hangzhou Juno Genomics, Inc
Classification: Pathogenic for Mucolipidosis type II; Pseudo-Hurler polydystrophy. Review status: criteria provided, single submitter. Criteria: ACMG Guidelines, 2015. Collection method: clinical testing. Allele origin: germline.
Comment: Absent from controls (or at extremely low frequency if recessive) in Genome Aggregation Database.;Null variant in a gene where loss of function (LOF) is a known mechanism of disease.;For recessive disorders, detected in trans with a pathogenic variant.;Patient's phenotype or family history is highly specific for a disease with a single genetic etiology.

Counsyl
Classification: Likely pathogenic for Pseudo-Hurler polydystrophy. Last evaluated: 2017-08-29. Review status: no assertion criteria provided. Collection method: clinical testing. Allele origin: unknown. Not counted in ClinVar's aggregate classification.

Literature cited by the submitters: PubMed 27662472 (cited by 3 submitters); PubMed 19617216 (cited by Labcorp Genetics (formerly Invitae), Labcorp); PubMed 25107912 (cited by Labcorp Genetics (formerly Invitae), Labcorp); PubMed 29872134 (cited by Labcorp Genetics (formerly Invitae), Labcorp).